The following is an entry in ClinVar:

ClinVar aggregate classification (germline): Uncertain significance (1 of 4 stars; one submission).

Conditions:
Immunodeficiency 35 (IMD35). Also called: Susceptibility to infection due to TYK2 deficiency; HIES WITH ATYPICAL MYCOBACTERIOSIS, AUTOSOMAL RECESSIVE; HYPER-IgE SYNDROME WITH ATYPICAL MYCOBACTERIOSIS, AUTOSOMAL RECESSIVE; TYK2 DEFICIENCY. Identifiers: Orphanet 331226, MedGen C1969086, MONDO:0012682, OMIM 611521.

Allele frequency attached by ClinVar (database versions not stated): gnomAD 0.00003; TOPMed 0.00005.
gnomAD v4.1: 68 of 1,608,666 alleles (0.0042%); highest among the groups gnomAD compares: Non-Finnish European, 0.0054%; no homozygotes.

Submission:

Labcorp Genetics (formerly Invitae), Labcorp
Classification: Uncertain significance for Immunodeficiency 35. Last evaluated: 2023-07-17. Review status: criteria provided, single submitter. Criteria: Invitae Variant Classification Sherloc (09022015). Collection method: clinical testing. Allele origin: germline.
Comment: Advanced modeling of protein sequence and biophysical properties (such as structural, functional, and spatial information, amino acid conservation, physicochemical variation, residue mobility, and thermodynamic stability) performed at Invitae indicates that this missense variant is not expected to disrupt TYK2 protein function. In summary, the available evidence is currently insufficient to determine the role of this variant in disease. Therefore, it has been classified as a Variant of Uncertain Significance. ClinVar contains an entry for this variant (Variation ID: 2148504). This variant has not been reported in the literature in individuals affected with TYK2-related conditions. This variant is present in population databases (rs757843261, gnomAD 0.008%). This sequence change replaces serine, which is neutral and polar, with threonine, which is neutral and polar, at codon 1103 of the TYK2 protein (p.Ser1103Thr).

NM_003331.5(TYK2):c.3308G>C (p.Ser1103Thr)

Gene: TYK2 (tyrosine kinase 2; minus strand). Cytogenetic location: 19p13.2.
Variant type: single nucleotide variant.
Coding change: c.3308G>C on transcript NM_003331.5 (MANE Select); coding-DNA position 3308, G replaced by C.
Protein change: p.Ser1103Thr; replaces serine 1103 with threonine.
Molecular consequence: missense variant. On other transcripts: intron variant (1).
Genome position (GRCh38, 1-based): chr19:10,352,444, C>G on the plus strand (G>C on the coding strand, the complement: TYK2 is on the minus strand). VCF-style: chr19-10352444-C-G. GRCh37 (hg19) VCF-style: chr19-10463120-C-G.
Other names: c.3308G>C, p.Ser1103Thr (NM_001385197.1, NM_001406461.1); c.3122G>C, p.Ser1041Thr (NM_001385199.1); c.3305G>C, p.Ser1102Thr (NM_001385200.1); c.3110G>C, p.Ser1037Thr (NM_001385201.1); c.3224G>C, p.Ser1075Thr (NM_001385202.1); c.3389G>C, p.Ser1130Thr (NM_001385203.1); c.3518G>C, p.Ser1173Thr (NM_001385204.1); c.3218G>C, p.Ser1073Thr (NM_001385205.1); and 3 more; short protein forms S1041T, S1037T, S1073T, S1075T, S1061T, S1097T, S1102T, S1103T.
Identifiers: ClinVar variation 2148504 (VCV002148504.2), dbSNP rs757843261, ClinGen allele CA9192771.